The following is an entry in ClinVar:

NM_001243133.2(NLRP3):c.1478A>G (p.Gln493Arg)

Gene: NLRP3 (NLR family pyrin domain containing 3; plus strand). Cytogenetic location: 1q44.
Variant type: single nucleotide variant.
Coding change: c.1478A>G on transcript NM_001243133.2 (MANE Select); coding-DNA position 1478, A replaced by G.
Protein change: p.Gln493Arg; replaces glutamine 493 with arginine.
Molecular consequence: missense variant.
Genome position (GRCh38, 1-based): chr1:247,424,927, A>G. VCF-style: chr1-247424927-A-G. GRCh37 (hg19) VCF-style: chr1-247588229-A-G.
Other names: c.1478A>G, p.Gln493Arg (NM_001079821.3, NM_001127461.3, NM_001127462.3 and 1 more transcripts); c.1484A>G, p.Gln495Arg (NM_004895.5); short protein forms Q493R, Q495R.
Identifiers: ClinVar variation 663799 (VCV000663799.9), dbSNP rs768582957, ClinGen allele CA1495034.

ClinVar aggregate classification (germline): Uncertain significance. Review status: criteria provided, multiple submitters, no conflicts (2 of 4 stars). 2 submissions from 2 submitters: Uncertain significance (2). Last evaluated 2025-11-03.

Conditions:
Cryopyrin associated periodic syndrome (CAPS). Identifiers: Orphanet 208650, MedGen C2316212, MONDO:0016168.
Inborn genetic diseases. Identifiers: MedGen C0950123, MeSH D030342.

Allele frequency attached by ClinVar (database versions not stated): gnomAD exomes below 0.00001; ExAC 0.00001.
gnomAD v4.1: 1 of 1,613,498 alleles (0.000062%); highest among the groups gnomAD compares: East Asian, 0.0022%; no homozygotes.

Submissions (2):

Labcorp Genetics (formerly Invitae), Labcorp
Classification: Uncertain significance for Cryopyrin associated periodic syndrome. Last evaluated: 2025-11-03. Review status: criteria provided, single submitter. Criteria: Invitae Variant Classification Sherloc (09022015). Collection method: clinical testing. Allele origin: germline.
Comment: This sequence change replaces glutamine, which is neutral and polar, with arginine, which is basic and polar, at codon 495 of the NLRP3 protein (p.Gln495Arg). This variant is present in population databases (rs768582957, gnomAD 0.006%). This variant has not been reported in the literature in individuals affected with NLRP3-related conditions. ClinVar contains an entry for this variant (Variation ID: 663799). Invitae Evidence Modeling of protein sequence and biophysical properties (such as structural, functional, and spatial information, amino acid conservation, physicochemical variation, residue mobility, and thermodynamic stability) has been performed for this missense variant. However, the output from this modeling did not meet the statistical confidence thresholds required to predict the impact of this variant on NLRP3 protein function. In summary, the available evidence is currently insufficient to determine the role of this variant in disease. Therefore, it has been classified as a Variant of Uncertain Significance.

Ambry Genetics
Classification: Uncertain significance for Inborn genetic diseases. Last evaluated: 2024-01-23. Review status: criteria provided, single submitter. Criteria: Ambry Variant Classification Scheme 2023. Collection method: clinical testing. Allele origin: germline.